The following is an entry in ClinVar:

NM_004168.4(SDHA):c.224G>A (p.Arg75Gln)

Gene: SDHA (succinate dehydrogenase complex flavoprotein subunit A; plus strand). Cytogenetic location: 5p15.33.
Variant type: single nucleotide variant.
Coding change: c.224G>A on transcript NM_004168.4 (MANE Select); coding-DNA position 224, G replaced by A.
Protein change: p.Arg75Gln; replaces arginine 75 with glutamine.
Molecular consequence: missense variant.
Genome position (GRCh38, 1-based): chr5:224,433, G>A. VCF-style: chr5-224433-G-A. GRCh37 (hg19) VCF-style: chr5-224548-G-A.
Other names: c.224G>A (NM_004168.3); c.224G>A, p.Arg75Gln (NM_001294332.2, NM_001330758.2); short protein forms R75Q.
Identifiers: ClinVar variation 820963 (VCV000820963.13), dbSNP rs751645963, ClinGen allele CA3172753.

ClinVar aggregate classification (germline): Uncertain significance. Review status: criteria provided, multiple submitters, no conflicts (2 of 4 stars). 3 submissions from 3 submitters: Uncertain significance (3). Last evaluated 2025-04-08.

Conditions:
Pheochromocytoma/paraganglioma syndrome 5. Also called: Paragangliomas 5; SDHA-Related Hereditary Paraganglioma-Pheochromocytoma Syndrome. Identifiers: Orphanet 29072, MedGen C3279992, MONDO:0013602, OMIM 614165.
Mitochondrial complex II deficiency, nuclear type 1. Also called: SUCCINATE CoQ REDUCTASE DEFICIENCY. Identifiers: Orphanet 3208, MedGen C5700310, MONDO:0100294, OMIM 252011.
Hereditary cancer-predisposing syndrome. Also called: Tumor predisposition; Hereditary neoplastic syndrome; Neoplastic Syndromes, Hereditary; Hereditary Cancer Syndrome. Identifiers: Orphanet 140162, MedGen C0027672, MeSH D009386, MONDO:0015356.

Allele frequency attached by ClinVar (database versions not stated): TOPMed below 0.00001; gnomAD 0.00001; gnomAD exomes 0.00001; ExAC 0.00002.
gnomAD v4.1: 9 of 1,613,568 alleles (0.00056%); highest among the groups gnomAD compares: East Asian, 0.0022%; no homozygotes.

Submissions (3):

Labcorp Genetics (formerly Invitae), Labcorp
Classification: Uncertain significance for Pheochromocytoma/paraganglioma syndrome 5; Mitochondrial complex II deficiency, nuclear type 1. Last evaluated: 2025-04-08. Review status: criteria provided, single submitter. Criteria: Invitae Variant Classification Sherloc (09022015). Collection method: clinical testing. Allele origin: germline.
Comment: This sequence change replaces arginine, which is basic and polar, with glutamine, which is neutral and polar, at codon 75 of the SDHA protein (p.Arg75Gln). This variant is present in population databases (rs751645963, gnomAD 0.007%). This variant has not been reported in the literature in individuals affected with SDHA-related conditions. ClinVar contains an entry for this variant (Variation ID: 820963). Invitae Evidence Modeling of protein sequence and biophysical properties (such as structural, functional, and spatial information, amino acid conservation, physicochemical variation, residue mobility, and thermodynamic stability) has been performed for this missense variant. However, the output from this modeling did not meet the statistical confidence thresholds required to predict the impact of this variant on SDHA protein function. In summary, the available evidence is currently insufficient to determine the role of this variant in disease. Therefore, it has been classified as a Variant of Uncertain Significance.

Ambry Genetics
Classification: Uncertain significance for Hereditary cancer-predisposing syndrome. Last evaluated: 2024-04-25. Review status: criteria provided, single submitter. Criteria: Ambry Variant Classification Scheme 2023. Collection method: clinical testing. Allele origin: germline.
Comment: The p.R75Q variant (also known as c.224G>A), located in coding exon 3 of the SDHA gene, results from a G to A substitution at nucleotide position 224. The arginine at codon 75 is replaced by glutamine, an amino acid with highly similar properties. This amino acid position is highly conserved in available vertebrate species. In addition, this alteration is predicted to be deleterious by in silico analysis. Since supporting evidence is limited at this time, the clinical significance of this alteration remains unclear.

Quest Diagnostics Nichols Institute San Juan Capistrano
Classification: Uncertain significance. Last evaluated: 2022-11-09. Review status: criteria provided, single submitter. Criteria: Quest Diagnostics criteria. Collection method: clinical testing. Allele origin: unknown.
Comment: The variant has not been reported in the published literature. The frequency of this variant in the general population, 0.000012 (3/251182 chromosomes), is uninformative in assessment of its pathogenicity. Analysis of this variant using bioinformatics tools for the prediction of the effect of amino acid changes on protein structure and function yielded predictions that this variant is damaging. Based on the available information, we are unable to determine the clinical significance of this variant.